The following is an entry in ClinVar:

ClinVar aggregate classification (germline): Likely pathogenic (1 of 4 stars; one submission).

Conditions:
Retinitis pigmentosa 25 (RP25). Identifiers: Orphanet 791, MedGen C1864446, MONDO:0011272, OMIM 602772.

Submission:

Natera, Inc.
Classification: Likely pathogenic for Retinitis pigmentosa type 25. Last evaluated: 2024-09-03. Review status: criteria provided, single submitter. Criteria: Natera Variant Classification Schema (03/2026). Collection method: clinical testing. Allele origin: germline.
Comment: The c.4175del variant in EYS is a frameshift variant predicted to shift the reading frame beginning at codon 1392 and leads to a stop codon 7 codons downstream. This variant is expected to result in nonsense mediated decay, truncation, or a dysfunctional protein product. This variant is rare in the general population with a frequency below the threshold expected for the associated phenotype(s). Given the available evidence, this variant is classified as Likely Pathogenic.

NM_001142800.2(EYS):c.4175del (p.Pro1392fs)

Gene: EYS (EGF-like photoreceptor maintenance factor; minus strand). Cytogenetic location: 6q12.
Variant type: Deletion.
Coding change: c.4175del on transcript NM_001142800.2 (MANE Select); coding-DNA position 4175, one base deleted (C; older notation c.4175delC).
Protein change: p.Pro1392fs; shifts the reading frame from proline 1392.
Molecular consequence: frameshift variant.
Genome position (GRCh38, 1-based): chr6:64,591,692, G deleted on the plus strand (C on the coding strand, the reverse complement: EYS is on the minus strand); the first of 4 consecutive G bases (chr6:64,591,692-64,591,695); deleting any one gives the same sequence. VCF-style (leftmost placement, unchanged base first): chr6-64591691-TG-T. GRCh37 (hg19) VCF-style: chr6-65301584-TG-T.
Other names: c.4175del, p.Pro1392fs (NM_001292009.2); short protein forms P1392fs.
Identifiers: ClinVar variation 4814636 (VCV004814636.1).